The following is an entry in ClinVar:

ClinVar aggregate classification (germline): Uncertain significance (1 of 4 stars; one submission).

Conditions:
Hereditary cancer-predisposing syndrome. Also called: Tumor predisposition; Hereditary Cancer Syndrome; Hereditary neoplastic syndrome; Neoplastic Syndromes, Hereditary. Identifiers: Orphanet 140162, MedGen C0027672, MeSH D009386, MONDO:0015356.

Submission:

Ambry Genetics
Classification: Uncertain significance for Hereditary cancer-predisposing syndrome. Last evaluated: 2023-07-25. Review status: criteria provided, single submitter. Criteria: Ambry Variant Classification Scheme 2023. Collection method: clinical testing. Allele origin: germline.
Comment: The p.W540R variant (also known as c.1618T>A), located in coding exon 4 of the MET gene, results from a T to A substitution at nucleotide position 1618. The tryptophan at codon 540 is replaced by arginine, an amino acid with dissimilar properties. This amino acid position is conserved. In addition, this alteration is predicted to be deleterious by in silico analysis. Since supporting evidence is limited at this time, the clinical significance of this alteration remains unclear.

NM_000245.4(MET):c.1618T>A (p.Trp540Arg)

Gene: MET (MET proto-oncogene, receptor tyrosine kinase; plus strand). Cytogenetic location: 7q31.2.
Variant type: single nucleotide variant.
Coding change: c.1618T>A on transcript NM_000245.4 (MANE Select); coding-DNA position 1618, T replaced by A.
Protein change: p.Trp540Arg; replaces tryptophan 540 with arginine.
Molecular consequence: missense variant.
Genome position (GRCh38, 1-based): chr7:116,740,942, T>A. VCF-style: chr7-116740942-T-A. GRCh37 (hg19) VCF-style: chr7-116380996-T-A.
Other names: c.1618T>A, p.Trp540Arg (NM_001127500.3, NM_001324401.3); c.328T>A, p.Trp110Arg (NM_001324402.2); short protein forms W540R, W110R.
Identifiers: ClinVar variation 2587480 (VCV002587480.2), dbSNP rs2485645190, ClinGen allele CA368975481.